The following is an entry in ClinVar:

ClinVar aggregate classification (germline): Likely benign. Review status: criteria provided, multiple submitters, no conflicts (2 of 4 stars). 3 submissions from 3 submitters: Likely benign (3). Last evaluated 2025-02-26.

Conditions:
Cardiomyopathy (CMYO). Also called: Cardiomyopathies. Identifiers: Orphanet 167848, MedGen C0878544, MONDO:0004994, HP:0001638. Inheritance: Various modes of inheritance.
Lethal congenital glycogen storage disease of heart. Also called: PHOSPHORYLASE KINASE DEFICIENCY OF HEART; GLYCOGEN STORAGE DISEASE OF HEART. Identifiers: Orphanet 439854, MedGen C1849813, MONDO:0009867, OMIM 261740.
Hypertrophic cardiomyopathy. Also called: HYPERTROPHIC MYOCARDIOPATHY. Identifiers: Orphanet 217569, MedGen C0007194, MeSH D002312, MONDO:0005045, HP:0001639.

Allele frequency attached by ClinVar (database versions not stated): gnomAD exomes below 0.00001 and 0.00001; gnomAD 0.00001; TOPMed 0.00001; ExAC 0.00002; 1000 Genomes Project 30x 0.00016; 1000 Genomes Project 0.00020.
gnomAD v4.1: 6 of 1,602,620 alleles (0.00037%); highest among the groups gnomAD compares: East Asian, 0.0022%; no homozygotes.

Submissions (3):

Labcorp Genetics (formerly Invitae), Labcorp
Classification: Likely benign for Lethal congenital glycogen storage disease of heart. Last evaluated: 2025-02-26. Review status: criteria provided, single submitter. Criteria: Invitae Variant Classification Sherloc (09022015). Collection method: clinical testing. Allele origin: germline.

All of Us Research Program, National Institutes of Health
Classification: Likely benign for Hypertrophic cardiomyopathy. Last evaluated: 2023-06-26. Review status: criteria provided, single submitter. Criteria: ACMG Guidelines, 2015. Collection method: clinical testing. Allele origin: germline. Inheritance: Autosomal dominant inheritance. Observed: 1 variant allele, 1 heterozygote.
Comment: This study involves interpretation of variants in research participants for the purpose of population health screening. Participant phenotype was not available at the time of variant classification. Additional details can be found in publication PMID: 35346344, PMCID: PMC8962531

Color Diagnostics, LLC DBA Color Health
Classification: Likely benign for Cardiomyopathy. Last evaluated: 2021-03-04. Review status: criteria provided, single submitter. Criteria: ACMG Guidelines, 2015. Collection method: clinical testing. Allele origin: germline.

NM_016203.4(PRKAG2):c.467-15G>A

Gene: PRKAG2 (protein kinase AMP-activated non-catalytic subunit gamma 2; minus strand). Cytogenetic location: 7q36.1.
Variant type: single nucleotide variant.
Coding change: c.467-15G>A on transcript NM_016203.4 (MANE Select); 15 bases into the intron before coding-DNA position 467, G replaced by A.
Molecular consequence: intron variant.
Genome position (GRCh38, 1-based): chr7:151,675,652, C>T on the plus strand (G>A on the coding strand, the complement: PRKAG2 is on the minus strand). VCF-style: chr7-151675652-C-T. GRCh37 (hg19) VCF-style: chr7-151372738-C-T.
Other names: c.335-15G>A (NM_001040633.2); c.95-15G>A (NM_001304527.2, NM_001363698.2).
Identifiers: ClinVar variation 1332684 (VCV001332684.6), dbSNP rs139162723, ClinGen allele CA057223.